The following is an entry in ClinVar:

NM_001382430.1(AKT1):c.482T>C (p.Phe161Ser)

Gene: AKT1 (AKT serine/threonine kinase 1; minus strand). Cytogenetic location: 14q32.33.
Variant type: single nucleotide variant.
Coding change: c.482T>C on transcript NM_001382430.1 (MANE Select); coding-DNA position 482, T replaced by C.
Protein change: p.Phe161Ser; replaces phenylalanine 161 with serine.
Molecular consequence: missense variant.
Genome position (GRCh38, 1-based): chr14:104,775,161, A>G on the plus strand (T>C on the coding strand, the complement: AKT1 is on the minus strand). VCF-style: chr14-104775161-A-G. GRCh37 (hg19) VCF-style: chr14-105241498-A-G.
Other names: c.482T>C, p.Phe161Ser (NM_001014431.2, NM_001014432.2, NM_001382431.1 and 3 more transcripts); short protein forms F161S.
Identifiers: ClinVar variation 3224625 (VCV003224625.1), dbSNP rs2140917697, ClinGen allele CA391219601.

ClinVar aggregate classification (germline): Uncertain significance (1 of 4 stars; one submission).

Conditions:
Inborn genetic diseases. Identifiers: MedGen C0950123, MeSH D030342.

Submission:

Ambry Genetics
Classification: Uncertain significance for Inborn genetic diseases. Last evaluated: 2023-12-25. Review status: criteria provided, single submitter. Criteria: Ambry Variant Classification Scheme 2023. Collection method: clinical testing. Allele origin: germline.
Comment: The p.F161S variant (also known as c.482T>C), located in coding exon 5 of the AKT1 gene, results from a T to C substitution at nucleotide position 482. The phenylalanine at codon 161 is replaced by serine, an amino acid with highly dissimilar properties. This amino acid position is conserved. In addition, this alteration is predicted to be deleterious by in silico analysis. Since supporting evidence is limited at this time, the clinical significance of this alteration remains unclear.